The following is an entry in ClinVar:

ClinVar aggregate classification (germline): Uncertain significance (1 of 4 stars; one submission).

Conditions:
Inborn genetic diseases. Identifiers: MedGen C0950123, MeSH D030342.

Submission:

Ambry Genetics
Classification: Uncertain significance for Inborn genetic diseases. Last evaluated: 2025-07-22. Review status: criteria provided, single submitter. Criteria: Ambry Variant Classification Scheme 2023. Collection method: clinical testing. Allele origin: germline.
Comment: The p.T1100I variant (also known as c.3299C>T), located in coding exon 15 of the MECOM gene, results from a C to T substitution at nucleotide position 3299. The threonine at codon 1100 is replaced by isoleucine, an amino acid with similar properties. This amino acid position is conserved. In addition, this alteration is predicted to be tolerated by in silico analysis. Based on the available evidence, the clinical significance of this variant remains unclear.

NM_004991.4(MECOM):c.3299C>T (p.Thr1100Ile)

Gene: MECOM (MDS1 and EVI1 complex locus; minus strand). Cytogenetic location: 3q26.2.
Variant type: single nucleotide variant.
Coding change: c.3299C>T on transcript NM_004991.4 (MANE Select); coding-DNA position 3299, C replaced by T.
Protein change: p.Thr1100Ile; replaces threonine 1100 with isoleucine.
Molecular consequence: missense variant.
Genome position (GRCh38, 1-based): chr3:169,090,102, G>A on the plus strand (C>T on the coding strand, the complement: MECOM is on the minus strand). VCF-style: chr3-169090102-G-A. GRCh37 (hg19) VCF-style: chr3-168807890-G-A.
Other names: c.2930C>T, p.Thr977Ile (NM_001105077.4); c.2735C>T, p.Thr912Ile (NM_001105078.4, NM_001205194.2, NM_001366469.2 and 1 more transcripts); c.2711C>T, p.Thr904Ile (NM_001163999.2, NM_001366470.2); c.2708C>T, p.Thr903Ile (NM_001164000.2, NM_001366471.2, NM_001366472.2); c.3272C>T, p.Thr1091Ile (NM_001366466.2); c.2738C>T, p.Thr913Ile (NM_001366467.2, NM_001366468.2); c.2300C>T, p.Thr767Ile (NM_001366473.2); c.1736C>T, p.Thr579Ile (NM_001366474.2); short protein forms T1091I, T579I, T1100I, T903I, T913I, T904I, T767I, T912I.
Identifiers: ClinVar variation 4105787 (VCV004105787.1).
Genomic context (GRCh38, chr3:169,090,102, plus strand): 5'-TCTTCATAGTCATCCTCAGGGTTTCCTTCATGTAAATTACTTGTCACTGGTTCCTTTCCT[G>A]TTTTTCCAGTAATATCATTGTCTTCATCCTCCTCATCTAACAACACCTCATCTTCAACTT-3'
Protein context (NP_004982.2, residues 1090-1110): EDEDNDITGK[Thr1100Ile]GKEPVTSNLH